The following is an entry in ClinVar:

NM_000505.4(F12):c.1774G>A (p.Asp592Asn)

Gene: F12 (coagulation factor XII; minus strand). Cytogenetic location: 5q35.3.
Variant type: single nucleotide variant.
Coding change: c.1774G>A on transcript NM_000505.4 (MANE Select); coding-DNA position 1774, G replaced by A.
Protein change: p.Asp592Asn; replaces aspartic acid 592 with asparagine.
Molecular consequence: missense variant.
Genome position (GRCh38, 1-based): chr5:177,402,366, C>T on the plus strand (G>A on the coding strand, the complement: F12 is on the minus strand). VCF-style: chr5-177402366-C-T. GRCh37 (hg19) VCF-style: chr5-176829367-C-T.
Other names: short protein forms D592N.
Identifiers: ClinVar variation 3027326 (VCV003027326.22), dbSNP rs1198354063, ClinGen allele CA362321425.

ClinVar aggregate classification (germline): Uncertain significance (1 of 4 stars; one submission).

Submission:

CeGaT Center for Human Genetics Tuebingen
Classification: Uncertain significance. Last evaluated: 2024-02-01. Review status: criteria provided, single submitter. Criteria: CeGaT Center For Human Genetics Tuebingen Variant Classification Criteria Version 2. Collection method: clinical testing. Allele origin: germline. Affected: yes. Observed: 1 variant allele.
Comment: F12: PM2, BP4